The following is an entry in ClinVar:

ClinVar aggregate classification (germline): Uncertain significance (1 of 4 stars; one submission).

Conditions:
Inborn genetic diseases. Identifiers: MedGen C0950123, MeSH D030342.

Submission:

Ambry Genetics
Classification: Uncertain significance for Inborn genetic diseases. Last evaluated: 2022-05-12. Review status: criteria provided, single submitter. Criteria: Ambry Variant Classification Scheme 2023. Collection method: clinical testing. Allele origin: germline.
Comment: The p.Q306R variant (also known as c.917A>G), located in coding exon 8 of the EPAS1 gene, results from an A to G substitution at nucleotide position 917. The glutamine at codon 306 is replaced by arginine, an amino acid with highly similar properties. This amino acid position is conserved. In addition, the in silico prediction for this alteration is inconclusive. Since supporting evidence is limited at this time, the clinical significance of this alteration remains unclear.

NM_001430.5(EPAS1):c.917A>G (p.Gln306Arg)

Gene: EPAS1 (endothelial PAS domain protein 1; plus strand). Cytogenetic location: 2p21.
Variant type: single nucleotide variant.
Coding change: c.917A>G on transcript NM_001430.5 (MANE Select); coding-DNA position 917, A replaced by G.
Protein change: p.Gln306Arg; replaces glutamine 306 with arginine.
Molecular consequence: missense variant.
Genome position (GRCh38, 1-based): chr2:46,375,720, A>G. VCF-style: chr2-46375720-A-G. GRCh37 (hg19) VCF-style: chr2-46602859-A-G.
Other names: short protein forms Q306R.
Identifiers: ClinVar variation 1766058 (VCV001766058.2), dbSNP rs2546470186, ClinGen allele CA346702674.